The following is an entry in ClinVar:

ClinVar aggregate classification (germline): Pathogenic/Likely pathogenic. Review status: criteria provided, multiple submitters, no conflicts (2 of 4 stars). 2 submissions from 2 submitters: Pathogenic (1); Likely pathogenic (1). Last evaluated 2026-01-09.

Conditions:
Retinitis pigmentosa 45 (RP45). Identifiers: Orphanet 791, MedGen C3151066, MONDO:0013413, OMIM 613767.

Submissions (2):

Labcorp Genetics (formerly Invitae), Labcorp
Classification: Pathogenic. Last evaluated: 2026-01-09. Review status: criteria provided, single submitter. Criteria: Invitae Variant Classification Sherloc (09022015). Collection method: clinical testing. Allele origin: germline.
Comment: This sequence change creates a premature translational stop signal (p.His273Glyfs*3) in the CNGB1 gene. It is expected to result in an absent or disrupted protein product. Loss-of-function variants in CNGB1 are known to be pathogenic (PMID: 15557452, 24043777). This variant is not present in population databases (gnomAD no frequency). This variant has not been reported in the literature in individuals affected with CNGB1-related conditions. ClinVar contains an entry for this variant (Variation ID: 3632273). For these reasons, this variant has been classified as Pathogenic.

First Genomix Gene Laboratory, Genetic Diagnostics Department
Classification: Likely pathogenic for Retinitis pigmentosa 45. Last evaluated: 2025-06-04. Review status: criteria provided, single submitter. Criteria: ACMG Guidelines, 2015. Collection method: clinical testing. Allele origin: germline. Inheritance: Autosomal recessive inheritance. Affected: no. Observed: 1 variant allele.

Literature cited by the submitters: PubMed 15557452 (cited by Labcorp Genetics (formerly Invitae), Labcorp); PubMed 24043777 (cited by Labcorp Genetics (formerly Invitae), Labcorp).

NM_001297.5(CNGB1):c.816_819del (p.His273fs)

Gene: CNGB1 (cyclic nucleotide gated channel subunit beta 1; minus strand). Cytogenetic location: 16q21.
Variant type: Deletion.
Coding change: c.816_819del on transcript NM_001297.5 (MANE Select); coding-DNA positions 816 to 819, 4 bases deleted (ACAT; older notation c.816_819delACAT).
Protein change: p.His273fs; shifts the reading frame from histidine 273.
Molecular consequence: frameshift variant.
Genome position (GRCh38, 1-based): chr16:57,958,428-57,958,431, ATGT deleted on the plus strand (ACAT on the coding strand, the reverse complement: CNGB1 is on the minus strand); deleting any 4 consecutive bases within chr16:57,958,428-57,958,432 gives the same sequence; the c. name uses the placement nearest the transcript's 3' end. VCF-style (leftmost placement, unchanged base first): chr16-57958427-CATGT-C. GRCh37 (hg19) VCF-style: chr16-57992331-CATGT-C.
Other names: c.816_819del, p.His273fs (NM_001135639.2); c.798_801del, p.His267fs (NM_001286130.2); c.816_819delACAT (NM_001297.5); short protein forms H267fs, H273fs.
Identifiers: ClinVar variation 3632273 (VCV003632273.3).